The following is an entry in ClinVar:

NM_003240.5(LEFTY2):c.163G>A (p.Ala55Thr)

Gene: LEFTY2 (left-right determination factor 2; minus strand). Cytogenetic location: 1q42.12.
Variant type: single nucleotide variant.
Coding change: c.163G>A on transcript NM_003240.5 (MANE Select); coding-DNA position 163, G replaced by A.
Protein change: p.Ala55Thr; replaces alanine 55 with threonine.
Molecular consequence: missense variant.
Genome position (GRCh38, 1-based): chr1:225,940,978, C>T on the plus strand (G>A on the coding strand, the complement: LEFTY2 is on the minus strand). VCF-style: chr1-225940978-C-T. GRCh37 (hg19) VCF-style: chr1-226128678-C-T.
Other names: c.163G>A, p.Ala55Thr (NM_001172425.3); short protein forms A55T.
Identifiers: ClinVar variation 2194100 (VCV002194100.4), dbSNP rs536445842, ClinGen allele CA38553582.

ClinVar aggregate classification (germline): Uncertain significance (1 of 4 stars; one submission).

Conditions:
Left-right axis malformations. Identifiers: MedGen C1866091.

Allele frequency attached by ClinVar (database versions not stated): TOPMed 0.00002; gnomAD exomes 0.00001; gnomAD 0.00002.
gnomAD v4.1: 14 of 1,613,694 alleles (0.00087%); highest among the groups gnomAD compares: Admixed American, 0.012%; no homozygotes.

Submission:

Labcorp Genetics (formerly Invitae), Labcorp
Classification: Uncertain significance for Left-right axis malformations. Last evaluated: 2022-02-18. Review status: criteria provided, single submitter. Criteria: Invitae Variant Classification Sherloc (09022015). Collection method: clinical testing. Allele origin: germline.
Comment: This variant is present in population databases (rs536445842, gnomAD 0.01%). In summary, the available evidence is currently insufficient to determine the role of this variant in disease. Therefore, it has been classified as a Variant of Uncertain Significance. Algorithms developed to predict the effect of missense changes on protein structure and function output the following: SIFT: "Tolerated"; PolyPhen-2: "Benign"; Align-GVGD: "Class C0". The threonine amino acid residue is found in multiple mammalian species, which suggests that this missense change does not adversely affect protein function. This variant has not been reported in the literature in individuals affected with LEFTY2-related conditions. This sequence change replaces alanine, which is neutral and non-polar, with threonine, which is neutral and polar, at codon 55 of the LEFTY2 protein (p.Ala55Thr).